The following is an entry in ClinVar:

NM_000153.4(GALC):c.332G>A (p.Gly111Asp)

Gene: GALC (galactosylceramidase; minus strand). Cytogenetic location: 14q31.3.
Variant type: single nucleotide variant.
Coding change: c.332G>A on transcript NM_000153.4 (MANE Select); coding-DNA position 332, G replaced by A.
Protein change: p.Gly111Asp; replaces glycine 111 with aspartic acid.
Molecular consequence: missense variant.
Genome position (GRCh38, 1-based): chr14:87,986,599, C>T on the plus strand (G>A on the coding strand, the complement: GALC is on the minus strand). VCF-style: chr14-87986599-C-T. GRCh37 (hg19) VCF-style: chr14-88452943-C-T.
Other names: c.263G>A, p.Gly88Asp (NM_001201401.2); c.254G>A, p.Gly85Asp (NM_001201402.2); short protein forms G111D, G85D, G88D.
Identifiers: ClinVar variation 1163373 (VCV001163373.15), dbSNP rs746487628, ClinGen allele CA7297413.

ClinVar aggregate classification (germline): Conflicting classifications of pathogenicity. Review status: criteria provided, conflicting classifications (1 of 4 stars). 6 submissions from 6 submitters: Pathogenic (1); Likely pathogenic (3); Uncertain significance (2). Last evaluated 2026-02-18.

Conditions:
Galactosylceramide beta-galactosidase deficiency. Also called: Leukodystrophy, Globoid Cell; Krabbe Disease; GALACTOCEREBROSIDASE DEFICIENCY; GALC DEFICIENCY; GLOBOID CELL LEUKOENCEPHALOPATHY. Identifiers: Orphanet 487, MedGen C0023521, MONDO:0009499, OMIM 245200.

Allele frequency attached by ClinVar (database versions not stated): TOPMed below 0.00001; gnomAD exomes 0.00001 and 0.00004; ExAC 0.00003.
gnomAD v4.1: 9 of 1,605,044 alleles (0.00056%); highest among the groups gnomAD compares: Admixed American, 0.013%; no homozygotes.

Submissions (6):

Women's Health and Genetics/Laboratory Corporation of America, LabCorp
Classification: Likely pathogenic for Galactosylceramide beta-galactosidase deficiency. Last evaluated: 2026-02-18. Review status: criteria provided, single submitter. Criteria: LabCorp Variant Classification Summary - May 2015. Collection method: clinical testing. Allele origin: germline.
Comment: Variant summary: GALC c.332G>A (p.Gly111Asp) results in a non-conservative amino acid change in the encoded protein sequence. Algorithms developed to predict the effect of missense changes on protein structure and function all suggest that this variant is likely to be disruptive. The variant allele was found at a frequency of 4e-05 in 248796 control chromosomes. This frequency is not significantly higher than estimated for disease-causing variants in GALC, allowing no conclusion about variant significance. c.332G>A has been observed in individuals affected with Galactosylceramide beta-galactosidase deficiency and in one individual, this variant has been identified in trans with a P/LP variant (internal data, Greco_2024). These data indicates that this variant may be associated with dissease. A different missense variant affecting the same amino acid, c.331G>A (p.Gly111Ser) has been classified as pathogenic variant by our own lab, suggesting tha this amino acid residue is clinically important. To our knowledge, no experimental evidence demonstrating an impact on protein function has been reported. The following publications have been ascertained in the context of this evaluation (PMID: 39499628). ClinVar contains an entry for this variant (Variation ID: 1163373). Based on the evidence outlined above, the variant was classified as likely pathogenic.

Labcorp Genetics (formerly Invitae), Labcorp
Classification: Pathogenic for Galactosylceramide beta-galactosidase deficiency. Last evaluated: 2025-11-13. Review status: criteria provided, single submitter. Criteria: Invitae Variant Classification Sherloc (09022015). Collection method: clinical testing. Allele origin: germline.
Comment: This sequence change replaces glycine, which is neutral and non-polar, with aspartic acid, which is acidic and polar, at codon 111 of the GALC protein (p.Gly111Asp). This variant is present in population databases (rs746487628, gnomAD 0.03%). This missense change has been observed in individual(s) with Krabbe disease (internal data). In at least one individual the data is consistent with being in trans (on the opposite chromosome) from a pathogenic variant. ClinVar contains an entry for this variant (Variation ID: 1163373). Invitae Evidence Modeling of protein sequence and biophysical properties (such as structural, functional, and spatial information, amino acid conservation, physicochemical variation, residue mobility, and thermodynamic stability) indicates that this missense variant is expected to disrupt GALC protein function with a positive predictive value of 95%. This variant disrupts the p.Gly111 amino acid residue in GALC. Other variant(s) that disrupt this residue have been determined to be pathogenic (PMID: 8940268, 9005874). This suggests that this residue is clinically significant, and that variants that disrupt this residue are likely to be disease-causing. For these reasons, this variant has been classified as Pathogenic.

GeneDx
Classification: Likely pathogenic. Last evaluated: 2025-06-20. Review status: criteria provided, single submitter. Criteria: GeneDx Variant Classification Process June 2021. Collection method: clinical testing. Allele origin: germline. Affected: yes.
Comment: In silico analysis supports that this missense variant has a deleterious effect on protein structure/function; This variant is associated with the following publications: (PMID: 8940268, 34449528, 9005874, 9338580, 14572137, 38837642)

Fulgent Genetics
Classification: Likely pathogenic for Galactosylceramide beta-galactosidase deficiency. Last evaluated: 2024-02-17. Review status: criteria provided, single submitter. Criteria: ACMG Guidelines, 2015. Collection method: clinical testing. Allele origin: germline.

Revvity Omics, Revvity
Classification: Uncertain significance. Last evaluated: 2021-08-24. Review status: criteria provided, single submitter. Criteria: ACMG Guidelines, 2015. Collection method: clinical testing. Allele origin: germline.

Mayo Clinic Laboratories, Mayo Clinic
Classification: Uncertain significance. Last evaluated: 2019-09-03. Review status: criteria provided, single submitter. Criteria: ACMG Guidelines, 2015. Collection method: clinical testing. Allele origin: germline. Observed: 1 variant allele.

Literature cited by the submitters: PubMed 39499628 (cited by Women's Health and Genetics/Laboratory Corporation of America, LabCorp); PubMed 8940268 (cited by Labcorp Genetics (formerly Invitae), Labcorp); PubMed 9005874 (cited by Labcorp Genetics (formerly Invitae), Labcorp).